The following is an entry in ClinVar:

NM_021728.4(OTX2):c.840T>C (p.Ala280=)

Gene: OTX2 (orthodenticle homeobox 2; minus strand). Cytogenetic location: 14q22.3.
Variant type: single nucleotide variant.
Coding change: c.840T>C on transcript NM_021728.4 (MANE Select); coding-DNA position 840, T replaced by C.
Protein change: p.Ala280=; no amino-acid change (alanine 280 retained).
Molecular consequence: synonymous variant. On other transcripts: non-coding transcript variant (2).
Genome position (GRCh38, 1-based): chr14:56,801,789, A>G on the plus strand (T>C on the coding strand, the complement: OTX2 is on the minus strand). VCF-style: chr14-56801789-A-G. GRCh37 (hg19) VCF-style: chr14-57268507-A-G.
Other names: c.816T>C, p.Ala272= (NM_001270523.2, NM_001270524.2, NM_172337.3); c.840T>C, p.Ala280= (NM_001270525.2).
Identifiers: ClinVar variation 760170 (VCV000760170.13), dbSNP rs201396096, ClinGen allele CA7200421.
Genomic context (GRCh38, chr14:56,801,789, plus strand): 5'-AGGTCTTCACAAAACCTGGAATTTCCACGAGGATGTCTGATCTTTATAATCCAAGCAGTC[A>G]GCATTGAAGTTAAGCTTCCAGGAGGCAGTTTGGTCCTTATAATCCAAGCAATCAGTGGTT-3'
Protein context (NP_068374.1, residues 270-290): QTASWKLNFN[Ala280=]DCLDYKDQTS

ClinVar aggregate classification (germline): Benign/Likely benign. Review status: criteria provided, multiple submitters, no conflicts (2 of 4 stars). 3 submissions from 3 submitters: Benign (1); Likely benign (2). Last evaluated 2023-08-03.

Conditions:
Anophthalmia-microphthalmia syndrome. Also called: Anophthalmia/Microphthalmia; Anophthalmia - microphthalmia. Identifiers: Orphanet 98555, MedGen C5680330, MONDO:0020147.
Pituitary hormone deficiency, combined, 6. Identifiers: MedGen C3151440, MONDO:0013518, OMIM 613986.

Allele frequency attached by ClinVar (database versions not stated): gnomAD exomes 0.00002 and 0.00010; gnomAD 0.00005 and 0.00007; TOPMed 0.00005; ExAC 0.00010; 1000 Genomes Project 30x 0.00016; 1000 Genomes Project 0.00020.
gnomAD v4.1: 40 of 1,614,222 alleles (0.0025%); highest among the groups gnomAD compares: East Asian, 0.082%; no homozygotes.

Submissions (3):

Labcorp Genetics (formerly Invitae), Labcorp
Classification: Benign for Anophthalmia-microphthalmia syndrome. Last evaluated: 2023-08-03. Review status: criteria provided, single submitter. Criteria: Invitae Variant Classification Sherloc (09022015). Collection method: clinical testing. Allele origin: germline.

Blueprint Genetics
Classification: Likely benign. Last evaluated: 2022-08-31. Review status: criteria provided, single submitter. Criteria: ACMG Guidelines, 2015. Collection method: clinical testing. Allele origin: germline.

Illumina Laboratory Services, Illumina
Classification: Likely benign for Pituitary hormone deficiency, combined, 6. Last evaluated: 2018-01-13. Review status: criteria provided, single submitter. Criteria: ICSL Variant Classification Criteria 13 December 2019. Collection method: clinical testing. Allele origin: germline.
Comment: This variant was observed in the ICSL laboratory as part of a predisposition screen in an ostensibly healthy population. It had not been previously curated by ICSL or reported in the Human Gene Mutation Database (HGMD: prior to June 1st, 2018), and was therefore a candidate for classification through an automated scoring system. Utilizing variant allele frequency, disease prevalence and penetrance estimates, and inheritance mode, an automated score was calculated to assess if this variant is too frequent to cause the disease. Based on the score and internal cut-off values, a variant classified as likely benign is not then subjected to further curation. The score for this variant resulted in a classification of likely benign for this disease.